The following is an entry in ClinVar:

NM_014855.3(AP5Z1):c.913A>C (p.Ile305Leu)

Gene: AP5Z1 (adaptor related protein complex 5 subunit zeta 1; plus strand). Cytogenetic location: 7p22.1.
Variant type: single nucleotide variant.
Coding change: c.913A>C on transcript NM_014855.3 (MANE Select); coding-DNA position 913, A replaced by C.
Protein change: p.Ile305Leu; replaces isoleucine 305 with leucine.
Molecular consequence: missense variant. On other transcripts: non-coding transcript variant (1).
Genome position (GRCh38, 1-based): chr7:4,785,030, A>C. VCF-style: chr7-4785030-A-C. GRCh37 (hg19) VCF-style: chr7-4824661-A-C.
Other names: c.445A>C, p.Ile149Leu (NM_001364858.1); short protein forms I305L, I149L.
Identifiers: ClinVar variation 2189152 (VCV002189152.1), dbSNP rs1204579026, ClinGen allele CA366661050.

ClinVar aggregate classification (germline): Uncertain significance (1 of 4 stars; one submission).

Conditions:
Hereditary spastic paraplegia 48. Also called: SPASTIC PARAPLEGIA 48, AUTOSOMAL RECESSIVE; Spastic paraplegia 48. Identifiers: Orphanet 306511, MedGen C3150901, MONDO:0013342, OMIM 613647.

Allele frequency attached by ClinVar (database versions not stated): gnomAD 0.00001; TOPMed 0.00003.

Submission:

Labcorp Genetics (formerly Invitae), Labcorp
Classification: Uncertain significance for Hereditary spastic paraplegia 48. Last evaluated: 2022-03-14. Review status: criteria provided, single submitter. Criteria: Invitae Variant Classification Sherloc (09022015). Collection method: clinical testing. Allele origin: germline.
Comment: This sequence change replaces isoleucine, which is neutral and non-polar, with leucine, which is neutral and non-polar, at codon 305 of the AP5Z1 protein (p.Ile305Leu). This variant is not present in population databases (gnomAD no frequency). This variant has not been reported in the literature in individuals affected with AP5Z1-related conditions. Algorithms developed to predict the effect of missense changes on protein structure and function output the following: SIFT: "Tolerated"; PolyPhen-2: "Benign"; Align-GVGD: "Class C0". The leucine amino acid residue is found in multiple mammalian species, which suggests that this missense change does not adversely affect protein function. In summary, the available evidence is currently insufficient to determine the role of this variant in disease. Therefore, it has been classified as a Variant of Uncertain Significance.